The following is an entry in ClinVar:

ClinVar aggregate classification (germline): Pathogenic. Review status: criteria provided, multiple submitters, no conflicts (2 of 4 stars). 2 submissions from 2 submitters: Pathogenic (2). Last evaluated 2023-09-05.

Conditions:
Familial adenomatous polyposis 3. Also called: NTHL1-Related Adenomatous Polyposis and Colorectal Cancer; NTHL1-related attenuated familial adenomatous polyposis; NTHL1 Tumor Syndrome; NTHL1-associated polyposis. Identifiers: Orphanet 220460, Orphanet 454840, MedGen C4225157, MONDO:0014630, OMIM 616415.

Allele frequency attached by ClinVar (database versions not stated): ExAC 0.00001; gnomAD 0.00001; gnomAD exomes 0.00001.
gnomAD v4.1: 5 of 1,608,486 alleles (0.00031%); highest among the groups gnomAD compares: South Asian, 0.0055%; no homozygotes.

Submissions (2):

Myriad Genetics, Inc.
Classification: Pathogenic for Familial adenomatous polyposis 3. Last evaluated: 2023-09-05. Review status: criteria provided, single submitter. Criteria: Myriad Autosomal Dominant, Autosomal Recessive and X-Linked Classification Criteria (2023). Collection method: clinical testing. Allele origin: unknown.
Comment: This variant is considered pathogenic. This variant creates a termination codon and is predicted to result in premature protein truncation.

Labcorp Genetics (formerly Invitae), Labcorp
Classification: Pathogenic. Last evaluated: 2022-07-29. Review status: criteria provided, single submitter. Criteria: Invitae Variant Classification Sherloc (09022015). Collection method: clinical testing. Allele origin: germline.
Comment: This sequence change creates a premature translational stop signal (p.Trp230*) in the NTHL1 gene. It is expected to result in an absent or disrupted protein product. Loss-of-function variants in NTHL1 are known to be pathogenic (PMID: 25938944, 26559593). This variant is present in population databases (rs765168342, gnomAD 0.006%). This variant has not been reported in the literature in individuals affected with NTHL1-related conditions. For these reasons, this variant has been classified as Pathogenic.

Literature cited by the submitters: PubMed 25938944 (cited by Labcorp Genetics (formerly Invitae), Labcorp); PubMed 26559593 (cited by Labcorp Genetics (formerly Invitae), Labcorp).

NM_002528.7(NTHL1):c.666G>A (p.Trp222Ter)

Gene: NTHL1 (nth like DNA glycosylase 1; minus strand). Cytogenetic location: 16p13.3.
Variant type: single nucleotide variant.
Coding change: c.666G>A on transcript NM_002528.7 (MANE Select); coding-DNA position 666, G replaced by A.
Protein change: p.Trp222Ter; replaces tryptophan 222 with a stop codon.
Molecular consequence: nonsense.
Genome position (GRCh38, 1-based): chr16:2,043,586, C>T on the plus strand (G>A on the coding strand, the complement: NTHL1 is on the minus strand). VCF-style: chr16-2043586-C-T. GRCh37 (hg19) VCF-style: chr16-2093587-C-T.
Other names: c.495G>A, p.Trp165Ter (NM_001318193.2); c.336G>A, p.Trp112Ter (NM_001318194.2); short protein forms W222*, W112*, W165*.
Identifiers: ClinVar variation 2020379 (VCV002020379.5), dbSNP rs765168342, ClinGen allele CA7828181.